The following is an entry in ClinVar:

NM_025099.6(CTC1):c.3269A>G (p.Asn1090Ser)

Gene: CTC1 (CST telomere replication complex component 1; minus strand). Cytogenetic location: 17p13.1.
Variant type: single nucleotide variant.
Coding change: c.3269A>G on transcript NM_025099.6 (MANE Select); coding-DNA position 3269, A replaced by G.
Protein change: p.Asn1090Ser; replaces asparagine 1090 with serine.
Molecular consequence: missense variant. On other transcripts: non-coding transcript variant (1).
Genome position (GRCh38, 1-based): chr17:8,228,845, T>C on the plus strand (A>G on the coding strand, the complement: CTC1 is on the minus strand). VCF-style: chr17-8228845-T-C. GRCh37 (hg19) VCF-style: chr17-8132163-T-C.
Other names: short protein forms N1090S.
Identifiers: ClinVar variation 459602 (VCV000459602.6), dbSNP rs368562418, ClinGen allele CA287529725.
Genomic context (GRCh38, chr17:8,228,845, plus strand): 5'-AAATCTAGGAGGGAGGCCCACTCTCTAGGACACAGCCCTAGTGCTGCTGCCACATGGTGA[T>C]TCCTACAGGTCACCACGGCTTCGGCAGTCCCATCCTCCACCAGGAGCCTATGGGGAGCAG-3'
Protein context (NP_079375.3, residues 1080-1100): GTAEAVVTCR[Asn1090Ser]HHVAAALGLC

ClinVar aggregate classification (germline): Uncertain significance (1 of 4 stars; one submission).

Conditions:
Dyskeratosis congenita. Identifiers: Orphanet 1775, MedGen C0265965, MONDO:0015780.

Allele frequency attached by ClinVar (database versions not stated): gnomAD 0.00001; gnomAD exomes 0.00001 and 0.00002; TOPMed 0.00004; ESP Exome Variant Server 0.00008.
gnomAD v4.1: 33 of 1,613,888 alleles (0.002%); highest among the groups gnomAD compares: Non-Finnish European, 0.0027%; no homozygotes.

Submission:

Labcorp Genetics (formerly Invitae), Labcorp
Classification: Uncertain significance for Dyskeratosis congenita. Last evaluated: 2023-10-04. Review status: criteria provided, single submitter. Criteria: Invitae Variant Classification Sherloc (09022015). Collection method: clinical testing. Allele origin: germline.
Comment: This sequence change replaces asparagine, which is neutral and polar, with serine, which is neutral and polar, at codon 1090 of the CTC1 protein (p.Asn1090Ser). This variant is present in population databases (rs368562418, gnomAD 0.002%). This variant has not been reported in the literature in individuals affected with CTC1-related conditions. ClinVar contains an entry for this variant (Variation ID: 459602). Advanced modeling of protein sequence and biophysical properties (such as structural, functional, and spatial information, amino acid conservation, physicochemical variation, residue mobility, and thermodynamic stability) performed at Invitae indicates that this missense variant is not expected to disrupt CTC1 protein function. In summary, the available evidence is currently insufficient to determine the role of this variant in disease. Therefore, it has been classified as a Variant of Uncertain Significance.